The following is an entry in ClinVar:

NM_003098.3(SNTA1):c.784A>C (p.Thr262Pro)

Gene: SNTA1 (syntrophin alpha 1; minus strand). Cytogenetic location: 20q11.21.
Variant type: single nucleotide variant.
Coding change: c.784A>C on transcript NM_003098.3 (MANE Select); coding-DNA position 784, A replaced by C.
Protein change: p.Thr262Pro; replaces threonine 262 with proline.
Molecular consequence: missense variant.
Genome position (GRCh38, 1-based): chr20:33,412,700, T>G on the plus strand (A>C on the coding strand, the complement: SNTA1 is on the minus strand). VCF-style: chr20-33412700-T-G. GRCh37 (hg19) VCF-style: chr20-32000506-T-G.
Other names: p.T262P:ACT>CCT; short protein forms T262P.
Identifiers: ClinVar variation 180528 (VCV000180528.18), dbSNP rs200316080, ClinGen allele CA235716.
Genomic context (GRCh38, chr20:33,412,700, plus strand): 5'-GTGCCTGCAGCTCATCCTTGACCCGCGGCGTCAGAGTATTGACCTGGGCTTGGATGGCAG[T>G]CGCCCACGACCTCGCACTAGCCTCATCCTTGGCCCTCAGGAAGAGGGTGTCTTGACCATC-3'
Protein context (NP_003089.1, residues 252-272): KDEASARSWA[Thr262Pro]AIQAQVNTLT

ClinVar aggregate classification (germline): Conflicting classifications of pathogenicity. Review status: criteria provided, conflicting classifications (1 of 4 stars). 6 submissions from 6 submitters: Uncertain significance (4); Likely benign (2). Last evaluated 2026-04-09.

Conditions:
Cardiovascular phenotype. Identifiers: MedGen CN230736.
Infiltrating duct carcinoma of breast. Also called: Invasive Ductal Carcinoma, Not Otherwise Specified; Invasive ductal breast carcinoma. Identifiers: MedGen C1412014, MONDO:0004953.
Long QT syndrome (LQTS). Identifiers: MedGen C0023976, MeSH D008133, MONDO:0002442. Disease mechanism: loss of function. Inheritance: Various modes of inheritance.
Long QT syndrome 12 (LQT12). Identifiers: Orphanet 101016, Orphanet 768, MedGen C2751830, MONDO:0013062, OMIM 612955.

Allele frequency attached by ClinVar (database versions not stated): ESP Exome Variant Server 0.00015; TOPMed 0.00020; gnomAD 0.00041.
gnomAD v4.1: 399 of 1,613,692 alleles (0.025%); highest among the groups gnomAD compares: Non-Finnish European, 0.027%; no homozygotes.

Submissions (6):

Petrovsky National Research Centre of Surgery, The Federal Agency for Scientific Organizations
Classification: Uncertain significance for Infiltrating duct carcinoma of breast. Last evaluated: 2026-04-09. Review status: criteria provided, single submitter. Criteria: ACMG Guidelines, 2015. Collection method: clinical testing. Allele origin: germline. Affected: yes. Observed: 1 variant allele.
Comment: The variant is in The Genome Aggregation Database (gnomAD) v4.1.0 with total 0.0002473. (Date of access 2026-04-09). In accordance with ACMG (2015) criteria this variant is classified as Uncertain significance with following criteria selected: BP4.

Labcorp Genetics (formerly Invitae), Labcorp
Classification: Uncertain significance for Long QT syndrome. Last evaluated: 2026-01-25. Review status: criteria provided, single submitter. Criteria: Invitae Variant Classification Sherloc (09022015). Collection method: clinical testing. Allele origin: germline.
Comment: This sequence change replaces threonine, which is neutral and polar, with proline, which is neutral and non-polar, at codon 262 of the SNTA1 protein (p.Thr262Pro). This variant is present in population databases (rs200316080, gnomAD 0.06%), and has an allele count higher than expected for a pathogenic variant. This missense change has been observed in individual(s) with sudden infant death syndrome (PMID: 20009079). ClinVar contains an entry for this variant (Variation ID: 180528). Invitae Evidence Modeling of protein sequence and biophysical properties (such as structural, functional, and spatial information, amino acid conservation, physicochemical variation, residue mobility, and thermodynamic stability) indicates that this missense variant is not expected to disrupt SNTA1 protein function with a negative predictive value of 80%. Experimental studies have shown that this missense change affects SNTA1 function (PMID: 20009079). In summary, the available evidence is currently insufficient to determine the role of this variant in disease. Therefore, it has been classified as a Variant of Uncertain Significance.

Ambry Genetics
Classification: Likely benign for Cardiovascular phenotype. Last evaluated: 2022-05-21. Review status: criteria provided, single submitter. Criteria: Ambry Variant Classification Scheme 2023. Collection method: clinical testing. Allele origin: germline.

Center for Genomics, Ann and Robert H. Lurie Children's Hospital of Chicago
Classification: Uncertain significance for Long QT syndrome 12. Last evaluated: 2021-03-30. Review status: criteria provided, single submitter. Criteria: ACMG Guidelines, 2015. Collection method: clinical testing. Allele origin: germline.
Comment: SNTA1 NM_003098.2 exon 4 p.Thr262Pro (c.784A>C): This variant has been reported in the literature in one SIDS case (Cheng 2009 PMID:20009079). However, this variant is also present in 0.05% (14/25086) of Finnish alleles in the Genome Aggregation Database and is present in ClinVar (Variation ID:180528). Evolutionary conservation and computational predictive tools suggest that this variant may not impact the protein. Functional studies have shown that this variant causes a significant depolarizing shift in inactivation, but overall was determined to not significantly perturb cardiac sodium channel function (Cheng 2009 PMID:20009079). In summary, data on this variant is insufficient for disease classification. Therefore, the clinical significance of this variant is uncertain.

GeneDx
Classification: Likely benign. Last evaluated: 2019-04-30. Review status: criteria provided, single submitter. Criteria: GeneDx Variant Classification Process June 2021. Collection method: clinical testing. Allele origin: germline. Affected: yes.
Comment: This variant is associated with the following publications: (PMID: 20009079, 21454796, 23465283)

Biesecker Lab/Clinical Genomics Section, National Institutes of Health
Classification: Uncertain significance. Last evaluated: 2013-06-24. Review status: criteria provided, single submitter. Criteria: Ng et al. (Circ Cardiovasc Genet. 2013). Collection method: research. Allele origin: unknown. Observed: 1 variant allele. Study: ClinSeq.
Comment: The study set was not selected for affection status in relation to any cancer. Pathogenicity categories were based on literature curation. See Pubmed ID:23861362 for details.

Medical sequencing

Literature cited by the submitters: PubMed 20009079 (cited by Labcorp Genetics (formerly Invitae), Labcorp and Ambry Genetics); PubMed 23465283 (cited by Ambry Genetics); PubMed 23861362 (cited by Ambry Genetics).